The following is an entry in ClinVar:

NM_021222.3(PRUNE1):c.71A>G (p.Asn24Ser)

Gene: PRUNE1 (prune exopolyphosphatase 1; plus strand). Cytogenetic location: 1q21.3.
Variant type: single nucleotide variant.
Coding change: c.71A>G on transcript NM_021222.3 (MANE Select); coding-DNA position 71, A replaced by G.
Protein change: p.Asn24Ser; replaces asparagine 24 with serine.
Molecular consequence: missense variant. On other transcripts: 5 prime UTR variant (2), non-coding transcript variant (3).
Genome position (GRCh38, 1-based): chr1:151,017,843, A>G. VCF-style: chr1-151017843-A-G. GRCh37 (hg19) VCF-style: chr1-150990319-A-G.
Other names: c.-273A>G (NM_001303229.2); c.71A>G, p.Asn24Ser (NM_001303242.2); c.-189A>G (NM_001303243.2); short protein forms N24S.
Identifiers: ClinVar variation 2120956 (VCV002120956.4), dbSNP rs765922154, ClinGen allele CA1083675.

ClinVar aggregate classification (germline): Uncertain significance (1 of 4 stars; one submission).

Allele frequency attached by ClinVar (database versions not stated): gnomAD exomes below 0.00001; ExAC 0.00001.

Submission:

Labcorp Genetics (formerly Invitae), Labcorp
Classification: Uncertain significance. Last evaluated: 2024-12-16. Review status: criteria provided, single submitter. Criteria: Invitae Variant Classification Sherloc (09022015). Collection method: clinical testing. Allele origin: germline.
Comment: This sequence change replaces asparagine, which is neutral and polar, with serine, which is neutral and polar, at codon 24 of the PRUNE1 protein (p.Asn24Ser). This variant is present in population databases (rs765922154, gnomAD 0.003%). This variant has not been reported in the literature in individuals affected with PRUNE1-related conditions. ClinVar contains an entry for this variant (Variation ID: 2120956). Invitae Evidence Modeling of protein sequence and biophysical properties (such as structural, functional, and spatial information, amino acid conservation, physicochemical variation, residue mobility, and thermodynamic stability) has been performed for this missense variant. However, the output from this modeling did not meet the statistical confidence thresholds required to predict the impact of this variant on PRUNE1 protein function. In summary, the available evidence is currently insufficient to determine the role of this variant in disease. Therefore, it has been classified as a Variant of Uncertain Significance.